The following is an entry in ClinVar:

NM_001330260.2(SCN8A):c.5924T>C (p.Val1975Ala)

Gene: SCN8A (sodium voltage-gated channel alpha subunit 8; plus strand). Cytogenetic location: 12q13.13.
Variant type: single nucleotide variant.
Coding change: c.5924T>C on transcript NM_001330260.2 (MANE Select); coding-DNA position 5924, T replaced by C.
Protein change: p.Val1975Ala; replaces valine 1975 with alanine.
Molecular consequence: missense variant.
Genome position (GRCh38, 1-based): chr12:51,807,410, T>C. VCF-style: chr12-51807410-T-C. GRCh37 (hg19) VCF-style: chr12-52201194-T-C.
Other names: c.5801T>C, p.Val1934Ala (NM_001177984.3, NM_001369788.1); c.5924T>C, p.Val1975Ala (NM_014191.4); short protein forms V1975A, V1934A.
Identifiers: ClinVar variation 578492 (VCV000578492.10), dbSNP rs1565934813, ClinGen allele CA384890630.
Genomic context (GRCh38, chr12:51,807,410, plus strand): 5'-AGGAGAAACAGCAGCGGGCAGAGGAAGGAAGAAGGGAAAGAGCCAAAAGACAAAAAGAGG[T>C]CAGAGAATCCAAGTGTTAGAGGAGAACAAAAATTCAGTATTATACAGATCTAAAACTCGC-3'
Protein context (NP_001317189.1, residues 1965-1980): RRERAKRQKE[Val1975Ala]RESKC

ClinVar aggregate classification (germline): Uncertain significance. Review status: criteria provided, multiple submitters, no conflicts (2 of 4 stars). 2 submissions from 2 submitters: Uncertain significance (2). Last evaluated 2022-10-17.

Conditions:
Early-infantile DEE. Also called: Early infantile epileptic encephalopathy with suppression bursts; Early infantile epileptic encephalopathy; Ohtahara syndrome. Identifiers: Orphanet 1934, MedGen C0393706, MONDO:0800491.
Seizures, benign familial infantile, 5 (BFIS5). Also called: CONVULSIONS, BENIGN FAMILIAL INFANTILE, 5. Identifiers: Orphanet 306, MedGen C4310728, MONDO:0014903, OMIM 617080.

Submissions (2):

Labcorp Genetics (formerly Invitae), Labcorp
Classification: Uncertain significance for Early-infantile DEE. Last evaluated: 2022-10-17. Review status: criteria provided, single submitter. Criteria: Invitae Variant Classification Sherloc (09022015). Collection method: clinical testing. Allele origin: germline.
Comment: In summary, the available evidence is currently insufficient to determine the role of this variant in disease. Therefore, it has been classified as a Variant of Uncertain Significance. Advanced modeling of protein sequence and biophysical properties (such as structural, functional, and spatial information, amino acid conservation, physicochemical variation, residue mobility, and thermodynamic stability) performed at Invitae indicates that this missense variant is not expected to disrupt SCN8A protein function. ClinVar contains an entry for this variant (Variation ID: 578492). This variant has not been reported in the literature in individuals affected with SCN8A-related conditions. This variant is not present in population databases (gnomAD no frequency). This sequence change replaces valine, which is neutral and non-polar, with alanine, which is neutral and non-polar, at codon 1975 of the SCN8A protein (p.Val1975Ala).

New York Genome Center
Classification: Uncertain significance for Seizures, benign familial infantile, 5. Last evaluated: 2020-11-04. Review status: criteria provided, single submitter. Criteria: NYGC Assertion Criteria 2020. Collection method: clinical testing. Allele origin: inherited. Observed: 1 heterozygote. Study: CSER-NYCKidSeq.
Comment: The inherited heterozygous missense variant c.5924T>C, p.Val1975Ala in the SCN8A gene has not been reported in the available literature. The variant is not present in the gnomAD database, indicating this is a rare allele. In silico tools, predict conflicting evidence of pathogenicity (PMID: 27268795). Based on the available evidence, the c.5924T>C, p.Val1975Ala variant in the SCN8A gene is classified as a variant of uncertain significance.